The following is an entry in ClinVar:

NM_001351132.2(PEX5):c.966+5G>A

Gene: PEX5 (peroxisomal biogenesis factor 5; plus strand). Cytogenetic location: 12p13.31.
Variant type: single nucleotide variant.
Coding change: c.966+5G>A on transcript NM_001351132.2 (MANE Select); 5 bases into the intron after coding-DNA position 966, G replaced by A.
Molecular consequence: intron variant.
Genome position (GRCh38, 1-based): chr12:7,203,556, G>A. VCF-style: chr12-7203556-G-A. GRCh37 (hg19) VCF-style: chr12-7356152-G-A.
Other names: c.855+5G>A (NM_001351124.3, NM_001351126.2, NM_001374646.1 and 7 more transcripts); c.966+5G>A (NM_001131026.2, NM_001351131.2, NM_001374647.2 and 5 more transcripts); c.831+5G>A (NM_001374649.2, NM_001351140.2, NM_001351139.2); c.900+5G>A (NM_001351135.3, NM_001351138.2); c.1011+5G>A (NM_001131023.2); c.942+5G>A (NM_000319.5).
Identifiers: ClinVar variation 93583 (VCV000093583.13), dbSNP rs199705127, ClinGen allele CA221521.

ClinVar aggregate classification (germline): Conflicting classifications of pathogenicity. Review status: criteria provided, conflicting classifications (1 of 4 stars). 5 submissions from 5 submitters: Uncertain significance (4); Likely benign (1). Last evaluated 2026-02-17.

Conditions:
PEX5-related disorder. Also called: PEX5-Related Disorders; PEX5-related condition.
Peroxisome biogenesis disorder 2B (PBD2B). Identifiers: Orphanet 44, MedGen C3550234, MONDO:0008736, OMIM 202370.

Allele frequency attached by ClinVar (database versions not stated): gnomAD exomes 0.00002 and 0.00003; ExAC 0.00003; gnomAD 0.00005; TOPMed 0.00006; ESP Exome Variant Server 0.00008.
gnomAD v4.1: 41 of 1,612,882 alleles (0.0025%); highest among the groups gnomAD compares: Non-Finnish European, 0.0033%; no homozygotes.

Submissions (5):

Women's Health and Genetics/Laboratory Corporation of America, LabCorp
Classification: Uncertain significance. Last evaluated: 2026-02-17. Review status: criteria provided, single submitter. Criteria: LabCorp Variant Classification Summary - May 2015. Collection method: clinical testing. Allele origin: germline.

Labcorp Genetics (formerly Invitae), Labcorp
Classification: Uncertain significance for Peroxisome biogenesis disorder 2B. Last evaluated: 2025-10-12. Review status: criteria provided, single submitter. Criteria: Invitae Variant Classification Sherloc (09022015). Collection method: clinical testing. Allele origin: germline.
Comment: This sequence change falls in intron 10 of the PEX5 gene. It does not directly change the encoded amino acid sequence of the PEX5 protein. It affects a nucleotide within the consensus splice site. This variant is present in population databases (rs199705127, gnomAD 0.01%). This variant has not been reported in the literature in individuals affected with PEX5-related conditions. ClinVar contains an entry for this variant (Variation ID: 93583). Variants that disrupt the consensus splice site are a relatively common cause of aberrant splicing (PMID: 17576681, 9536098). Algorithms developed to predict the effect of sequence changes on RNA splicing suggest that this variant is not likely to affect RNA splicing. In summary, the available evidence is currently insufficient to determine the role of this variant in disease. Therefore, it has been classified as a Variant of Uncertain Significance.

PreventionGenetics, part of Exact Sciences
Classification: Likely benign for PEX5-related condition. Last evaluated: 2025-01-23. Review status: criteria provided, single submitter. Criteria: ACMG Guidelines, 2015. Collection method: clinical testing. Allele origin: germline.
Comment: This variant is classified as likely benign based on ACMG/AMP sequence variant interpretation guidelines (Richards et al. 2015 PMID: 25741868, with internal and published modifications).

GeneDx
Classification: Uncertain significance. Last evaluated: 2023-06-29. Review status: criteria provided, single submitter. Criteria: GeneDx Variant Classification Process June 2021. Collection method: clinical testing. Allele origin: germline. Affected: yes.
Comment: Not observed at significant frequency in large population cohorts (gnomAD); In silico analysis is inconclusive as to whether the variant alters gene splicing. In the absence of RNA/functional studies, the actual effect of this sequence change is unknown.; Has not been previously published as pathogenic or benign to our knowledge

Eurofins Ntd Llc (ga)
Classification: Uncertain significance. Last evaluated: 2013-10-15. Review status: criteria provided, single submitter. Criteria: EGL Classification Definitions 2015. Collection method: clinical testing. Allele origin: germline. Observed: 1 variant allele, 1 heterozygote.

Literature cited by the submitters: PubMed 17576681 (cited by Labcorp Genetics (formerly Invitae), Labcorp); PubMed 9536098 (cited by Labcorp Genetics (formerly Invitae), Labcorp).